The following is an entry in ClinVar:

NM_152703.5(SAMD9L):c.1088T>C (p.Phe363Ser)

Gene: SAMD9L (sterile alpha motif domain containing 9 like; minus strand). Cytogenetic location: 7q21.2.
Variant type: single nucleotide variant.
Coding change: c.1088T>C on transcript NM_152703.5 (MANE Select); coding-DNA position 1088, T replaced by C.
Protein change: p.Phe363Ser; replaces phenylalanine 363 with serine.
Molecular consequence: missense variant.
Genome position (GRCh38, 1-based): chr7:93,134,884, A>G on the plus strand (T>C on the coding strand, the complement: SAMD9L is on the minus strand). VCF-style: chr7-93134884-A-G. GRCh37 (hg19) VCF-style: chr7-92764197-A-G.
Other names: c.1088T>C, p.Phe363Ser (NM_001303496.3, NM_001303497.3, NM_001303498.3 and 5 more transcripts); short protein forms F363S.
Identifiers: ClinVar variation 4630003 (VCV004630003.1).

ClinVar aggregate classification (germline): Uncertain significance (1 of 4 stars; one submission).

Conditions:
Inborn genetic diseases. Identifiers: MedGen C0950123, MeSH D030342.

Submission:

Ambry Genetics
Classification: Uncertain significance for Inborn genetic diseases. Last evaluated: 2025-09-18. Review status: criteria provided, single submitter. Criteria: Ambry Variant Classification Scheme 2023. Collection method: clinical testing. Allele origin: germline.
Comment: The p.F363S variant (also known as c.1088T>C), located in coding exon 1 of the SAMD9L gene, results from a T to C substitution at nucleotide position 1088. The phenylalanine at codon 363 is replaced by serine, an amino acid with highly dissimilar properties. This amino acid position is conserved. In addition, this alteration is predicted to be tolerated by in silico analysis. Based on the available evidence, the clinical significance of this variant remains unclear.